The following is an entry in ClinVar:

ClinVar aggregate classification (germline): Benign (3 of 4 stars; one submission).

Conditions:
Breast-ovarian cancer, familial, susceptibility to, 2 (BROVCA2). Also called: BRCA2 Hereditary Breast and Ovarian Cancer. Identifiers: Orphanet 145, MedGen C2675520, MONDO:0012933, OMIM 612555. Disease mechanism: loss of function.

Allele frequency attached by ClinVar (database versions not stated): TOPMed 0.21806; gnomAD 0.21933 and 0.22147; 1000 Genomes Project 30x 0.22689; 1000 Genomes Project 0.23263.
gnomAD v4.1: 33,607 of 152,120 alleles (22%); highest among the groups gnomAD compares: East Asian, 40%; 3,824 homozygotes.

Submission:

Evidence-based Network for the Interpretation of Germline Mutant Alleles (ENIGMA)
Classification: Benign for Breast-ovarian cancer, familial 2. Last evaluated: 2015-01-12. Review status: reviewed by expert panel. Criteria: ENIGMA BRCA1/2 Classification Criteria (2015). Collection method: curation. Allele origin: germline.
Comment: Class 1 not pathogenic based on frequency >1% in an outbred sampleset. Frequency 0.3864 (Asian), 0.1585 (African), 0.219 (European), derived from 1000 genomes (2012-04-30).

NM_000059.4(BRCA2):c.7806-1749G>A

Gene: BRCA2 (BRCA2 DNA repair associated; plus strand). Cytogenetic location: 13q13.1.
Variant type: single nucleotide variant.
Coding change: c.7806-1749G>A on transcript NM_000059.4 (MANE Select); 1749 bases into the intron before coding-DNA position 7806, G replaced by A.
Molecular consequence: intron variant.
Genome position (GRCh38, 1-based): chr13:32,360,774, G>A. VCF-style: chr13-32360774-G-A. GRCh37 (hg19) VCF-style: chr13-32934911-G-A.
Other names: IVS 16-1749G>A.
Identifiers: ClinVar variation 209770 (VCV000209770.1), dbSNP rs11571717, ClinGen allele CA276738.
Genomic context (GRCh38, chr13:32,360,774, plus strand): 5'-AGATGGACACACAGAGACCACTTAAGCTATTGCAGAAATACATGTGAGAGGTGGTTGGTT[G>A]GACCAGGGAAGTGGCAGTGGAATTGGTGGAAAGCAGTTGGACTCTGGGGTATTTTGAAAG-3'